The following is an entry in ClinVar:

ClinVar aggregate classification (germline): Uncertain significance (1 of 4 stars; one submission).

Conditions:
Vici syndrome (VICIS). Identifiers: Orphanet 1493, MedGen C1855772, MONDO:0009452, OMIM 242840.

Allele frequency attached by ClinVar (database versions not stated): gnomAD exomes 0.00002 and 0.00003; ExAC 0.00003; gnomAD 0.00003; TOPMed 0.00003.
gnomAD v4.1: 38 of 1,614,066 alleles (0.0024%); highest among the groups gnomAD compares: Middle Eastern, 0.016%; no homozygotes.

Submission:

Labcorp Genetics (formerly Invitae), Labcorp
Classification: Uncertain significance for Vici syndrome. Last evaluated: 2024-01-15. Review status: criteria provided, single submitter. Criteria: Invitae Variant Classification Sherloc (09022015). Collection method: clinical testing. Allele origin: germline.
Comment: This sequence change replaces alanine, which is neutral and non-polar, with threonine, which is neutral and polar, at codon 1012 of the EPG5 protein (p.Ala1012Thr). This variant is present in population databases (rs773390222, gnomAD 0.004%). This variant has not been reported in the literature in individuals affected with EPG5-related conditions. ClinVar contains an entry for this variant (Variation ID: 857271). Advanced modeling of protein sequence and biophysical properties (such as structural, functional, and spatial information, amino acid conservation, physicochemical variation, residue mobility, and thermodynamic stability) performed at Invitae indicates that this missense variant is expected to disrupt EPG5 protein function with a positive predictive value of 80%. In summary, the available evidence is currently insufficient to determine the role of this variant in disease. Therefore, it has been classified as a Variant of Uncertain Significance.

NM_020964.3(EPG5):c.3034G>A (p.Ala1012Thr)

Gene: EPG5 (ectopic P-granules 5 autophagy tethering factor; minus strand). Cytogenetic location: 18q21.1.
Variant type: single nucleotide variant.
Coding change: c.3034G>A on transcript NM_020964.3 (MANE Select); coding-DNA position 3034, G replaced by A.
Protein change: p.Ala1012Thr; replaces alanine 1012 with threonine.
Molecular consequence: missense variant.
Genome position (GRCh38, 1-based): chr18:45,922,405, C>T on the plus strand (G>A on the coding strand, the complement: EPG5 is on the minus strand). VCF-style: chr18-45922405-C-T. GRCh37 (hg19) VCF-style: chr18-43502371-C-T.
Other names: short protein forms A1012T.
Identifiers: ClinVar variation 857271 (VCV000857271.6), dbSNP rs773390222, ClinGen allele CA8949281.